The following is an entry in ClinVar:

NM_145207.3(AFG2A):c.2642A>G (p.Tyr881Cys)

Gene: AFG2A (AAA ATPase AFG2A; plus strand). Cytogenetic location: 4q28.1.
Variant type: single nucleotide variant.
Coding change: c.2642A>G on transcript NM_145207.3 (MANE Select); coding-DNA position 2642, A replaced by G.
Protein change: p.Tyr881Cys; replaces tyrosine 881 with cysteine.
Molecular consequence: missense variant.
Genome position (GRCh38, 1-based): chr4:123,314,024, A>G. VCF-style: chr4-123314024-A-G. GRCh37 (hg19) VCF-style: chr4-124235179-A-G.
Other names: c.2639A>G, p.Tyr880Cys (NM_001345856.2); short protein forms Y880C, Y881C.
Identifiers: ClinVar variation 838430 (VCV000838430.6), dbSNP rs750171052, ClinGen allele CA3070775.

ClinVar aggregate classification (germline): Uncertain significance (1 of 4 stars; one submission).

Conditions:
Microcephaly-intellectual disability-sensorineural hearing loss-epilepsy-abnormal muscle tone syndrome (NEDHSB). Also called: NEURODEVELOPMENTAL DISORDER WITH HEARING LOSS, SEIZURES, AND BRAIN ABNORMALITIES. Identifiers: Orphanet 457351, MedGen C4225276, MONDO:0014698, OMIM 616577.

Allele frequency attached by ClinVar (database versions not stated): TOPMed below 0.00001; gnomAD 0.00001; gnomAD exomes 0.00001.
gnomAD v4.1: 4 of 1,610,210 alleles (0.00025%); highest among the groups gnomAD compares: Admixed American, 0.0017%; no homozygotes.

Submission:

Labcorp Genetics (formerly Invitae), Labcorp
Classification: Uncertain significance for Microcephaly-intellectual disability-sensorineural hearing loss-epilepsy-abnormal muscle tone syndrome. Last evaluated: 2019-12-31. Review status: criteria provided, single submitter. Criteria: Invitae Variant Classification Sherloc (09022015). Collection method: clinical testing. Allele origin: germline.
Comment: In summary, the available evidence is currently insufficient to determine the role of this variant in disease. Therefore, it has been classified as a Variant of Uncertain Significance. Algorithms developed to predict the effect of missense changes on protein structure and function are either unavailable or do not agree on the potential impact of this missense change (SIFT: "Deleterious"; PolyPhen-2: "Probably Damaging"; Align-GVGD: "Class C0"). This variant has not been reported in the literature in individuals with SPATA5-related conditions. This variant is present in population databases (rs750171052, ExAC 0.003%). This sequence change replaces tyrosine with cysteine at codon 881 of the SPATA5 protein (p.Tyr881Cys). The tyrosine residue is moderately conserved and there is a large physicochemical difference between tyrosine and cysteine.